The following is an entry in ClinVar:

NM_017986.4(SLC52A1):c.1033C>T (p.Leu345Phe)

Gene: SLC52A1 (solute carrier family 52 member 1; minus strand). Cytogenetic location: 17p13.2.
Variant type: single nucleotide variant.
Coding change: c.1033C>T on transcript NM_017986.4 (MANE Select); coding-DNA position 1033, C replaced by T.
Protein change: p.Leu345Phe; replaces leucine 345 with phenylalanine.
Molecular consequence: missense variant.
Genome position (GRCh38, 1-based): chr17:5,033,362, G>A on the plus strand (C>T on the coding strand, the complement: SLC52A1 is on the minus strand). VCF-style: chr17-5033362-G-A. GRCh37 (hg19) VCF-style: chr17-4936657-G-A.
Other names: c.1033C>T, p.Leu345Phe (NM_001104577.2); short protein forms L345F.
Identifiers: ClinVar variation 4762409 (VCV004762409.1).

ClinVar aggregate classification (germline): Uncertain significance (1 of 4 stars; one submission).

Conditions:
Vitamin B2 deficiency. Identifiers: MedGen C0035528.

Submission:

Labcorp Genetics (formerly Invitae), Labcorp
Classification: Uncertain significance for Vitamin B2 deficiency. Last evaluated: 2025-06-12. Review status: criteria provided, single submitter. Criteria: Invitae Variant Classification Sherloc (09022015). Collection method: clinical testing. Allele origin: germline.
Comment: This sequence change replaces leucine, which is neutral and non-polar, with phenylalanine, which is neutral and non-polar, at codon 345 of the SLC52A1 protein (p.Leu345Phe). This variant is present in population databases (no rsID available, gnomAD 0.007%). This variant has not been reported in the literature in individuals affected with SLC52A1-related conditions. Invitae Evidence Modeling of protein sequence and biophysical properties (such as structural, functional, and spatial information, amino acid conservation, physicochemical variation, residue mobility, and thermodynamic stability) indicates that this missense variant is not expected to disrupt SLC52A1 protein function with a negative predictive value of 80%. In summary, the available evidence is currently insufficient to determine the role of this variant in disease. Therefore, it has been classified as a Variant of Uncertain Significance.